The following is an entry in ClinVar:

ClinVar aggregate classification (germline): Uncertain significance (1 of 4 stars; one submission).

Conditions:
Inborn genetic diseases. Identifiers: MedGen C0950123, MeSH D030342.

Allele frequency attached by ClinVar (database versions not stated): TOPMed below 0.00001.
gnomAD v4.1: 2 of 1,569,562 alleles (0.00013%); highest among the groups gnomAD compares: Admixed American, 0.0037%; no homozygotes.

Submission:

Ambry Genetics
Classification: Uncertain significance for Inborn genetic diseases. Last evaluated: 2021-09-14. Review status: criteria provided, single submitter. Criteria: Ambry Variant Classification Scheme 2023. Collection method: clinical testing. Allele origin: germline.
Comment: The c.2134G>A (p.G712R) alteration is located in exon 8 (coding exon 7) of the SETD1A gene. This alteration results from a G to A substitution at nucleotide position 2134, causing the glycine (G) at amino acid position 712 to be replaced by an arginine (R). Based on data from gnomAD, the A allele has an overall frequency of 0.0005% (1/207,888) total alleles studied. This amino acid position is not well conserved in available vertebrate species. The in silico prediction for this alteration is inconclusive. Based on insufficient or conflicting evidence, the clinical significance of this alteration remains unclear.

NM_014712.3(SETD1A):c.2134G>A (p.Gly712Arg)

Gene: SETD1A (SET domain containing 1A, histone lysine methyltransferase; plus strand). Cytogenetic location: 16p11.2.
Variant type: single nucleotide variant.
Coding change: c.2134G>A on transcript NM_014712.3 (MANE Select); coding-DNA position 2134, G replaced by A.
Protein change: p.Gly712Arg; replaces glycine 712 with arginine.
Molecular consequence: missense variant.
Genome position (GRCh38, 1-based): chr16:30,966,015, G>A. VCF-style: chr16-30966015-G-A. GRCh37 (hg19) VCF-style: chr16-30977336-G-A.
Other names: short protein forms G712R.
Identifiers: ClinVar variation 2395725 (VCV002395725.2), dbSNP rs1396600817, ClinGen allele CA395619355.